The following is an entry in ClinVar:

NM_003477.2(PDHX):c.-129C>T

Gene: PDHX (pyruvate dehydrogenase complex component X; plus strand). Cytogenetic location: 11p13.
Variant type: single nucleotide variant.
Coding change: c.-129C>T on transcript NM_003477.2; 129 bases upstream of the start codon, C replaced by T.
Molecular consequence: intron variant (on NM_001135024.2).
Genome position (GRCh38, 1-based): chr11:34,916,527, C>T. VCF-style: chr11-34916527-C-T. GRCh37 (hg19) VCF-style: chr11-34938074-C-T.
Other names: c.-21+41C>T (NM_001135024.2).
Identifiers: ClinVar variation 304457 (VCV000304457.9), dbSNP rs112032820, ClinGen allele CA5945685.

ClinVar aggregate classification (germline): Benign. Review status: criteria provided, multiple submitters, no conflicts (2 of 4 stars). 3 submissions from 3 submitters: Benign (3). Last evaluated 2018-06-23.

Conditions:
Pyruvate dehydrogenase E3-binding protein deficiency (PDHXD). Also called: E3-Binding Protein (Component X) Deficiency; LACTIC ACIDEMIA DUE TO DEFECT IN LIPOYL-CONTAINING COMPONENT X OF THE PYRUVATE DEHYDROGENASE COMPLEX; Lacticacidemia due to PDX1 deficiency; PYRUVATE HYDROGENASE E3-BINDING PROTEIN DEFICIENCY. Identifiers: Orphanet 255182, MedGen C1855553, MONDO:0009503, OMIM 245349.

Allele frequency attached by ClinVar (database versions not stated): 1000 Genomes Project 0.12061; gnomAD 0.22090; TOPMed 0.21200.
gnomAD v4.1: 443,161 of 1,231,024 alleles (36%); highest among the groups gnomAD compares: Non-Finnish European, 40%; 74,250 homozygotes.

Submissions (3):

GeneDx
Classification: Benign. Last evaluated: 2018-06-23. Review status: criteria provided, single submitter. Criteria: GeneDx Variant Classification Process June 2021. Collection method: clinical testing. Allele origin: germline. Affected: yes.

Illumina Laboratory Services, Illumina
Classification: Benign for Pyruvate dehydrogenase E3-binding protein deficiency. Last evaluated: 2018-01-12. Review status: criteria provided, single submitter. Criteria: ICSL Variant Classification Criteria 13 December 2019. Collection method: clinical testing. Allele origin: germline.
Comment: This variant was observed in the ICSL laboratory as part of a predisposition screen in an ostensibly healthy population. It had not been previously curated by ICSL or reported in the Human Gene Mutation Database (HGMD: prior to June 1st, 2018), and was therefore a candidate for classification through an automated scoring system. Utilizing variant allele frequency, disease prevalence and penetrance estimates, and inheritance mode, an automated score was calculated to assess if this variant is too frequent to cause the disease. Based on the score and internal cut-off values, a variant classified as benign is not then subjected to further curation. The score for this variant resulted in a classification of benign for this disease.

Breakthrough Genomics
Classification: Benign. Review status: criteria provided, single submitter. Criteria: ACMG Guidelines, 2015. Collection method: not provided. Allele origin: germline. Inheritance: Autosomal recessive inheritance. Affected: yes.